The following is an entry in ClinVar:

ClinVar aggregate classification (germline): Uncertain significance (1 of 4 stars; one submission).

Conditions:
Hereditary nonpolyposis colorectal neoplasms. Identifiers: MedGen C0009405, MeSH D003123.

Submission:

Labcorp Genetics (formerly Invitae), Labcorp
Classification: Uncertain significance for Hereditary nonpolyposis colorectal neoplasms. Last evaluated: 2025-10-22. Review status: criteria provided, single submitter. Criteria: Invitae Variant Classification Sherloc (09022015). Collection method: clinical testing. Allele origin: germline.
Comment: This variant, c.875_877del, results in the deletion of 1 amino acid(s) of the PMS2 protein (p.Ile292del), but otherwise preserves the integrity of the reading frame. This variant is not present in population databases (gnomAD no frequency). This variant has been observed in individual(s) with clinical features of constitutional mismatch repair deficiency syndrome (internal data). In at least one individual the data is consistent with being in trans (on the opposite chromosome) from a pathogenic variant. Experimental studies and prediction algorithms are not available or were not evaluated, and the functional significance of this variant is currently unknown. In summary, the available evidence is currently insufficient to determine the role of this variant in disease. Therefore, it has been classified as a Variant of Uncertain Significance.

NM_000535.7(PMS2):c.875_877del (p.Ile292del)

Gene: PMS2 (PMS1 homolog 2, mismatch repair system component; minus strand). Cytogenetic location: 7p22.1.
Variant type: Deletion.
Coding change: c.875_877del on transcript NM_000535.7 (MANE Select); coding-DNA positions 875 to 877, 3 bases deleted (TCA; older notation c.875_877delTCA).
Protein change: p.Ile292del; deletes isoleucine 292.
Molecular consequence: inframe deletion. On other transcripts: 5 prime UTR variant (2), non-coding transcript variant (1), intron variant (4).
Genome position (GRCh38, 1-based): chr7:5,995,560-5,995,562, TGA deleted on the plus strand (TCA on the coding strand, the reverse complement: PMS2 is on the minus strand); deleting any 3 consecutive bases within chr7:5,995,560-5,995,563 gives the same sequence; the c. name uses the placement nearest the transcript's 3' end. VCF-style (leftmost placement, unchanged base first): chr7-5995559-TTGA-T. GRCh37 (hg19) VCF-style: chr7-6035190-TTGA-T.
Other names: c.470_472del, p.Ile157del (NM_001322003.2, NM_001322004.2, NM_001322005.2 and 19 more transcripts); c.875_877del, p.Ile292del (NM_001322006.2, NM_001322014.2, NM_001406870.1 and 2 more transcripts); c.557_559del, p.Ile186del (NM_001322007.2, NM_001322008.2, NM_001406876.1 and 4 more transcripts); c.-59_-57del (NM_001322011.2, NM_001322012.2); c.302_304del, p.Ile101del (NM_001322013.2, NM_001406909.1); c.566_568del, p.Ile189del (NM_001322015.2, NM_001406875.1, NM_001406877.1 and 6 more transcripts); c.1061_1063del, p.Ile354del (NM_001406866.1); c.899_901del, p.Ile300del (NM_001406868.1); and 8 more; short protein forms I157del, I180del, I236del, I292del, I300del, I354del, I186del, I189del.
Identifiers: ClinVar variation 4727412 (VCV004727412.1).
Genomic context (GRCh38, chr7:5,995,559, plus strand): 5'-TAAAGAACAAACTAACACAAAAAAATTTTAAATACCTTTGCTGGGTCACAAGGCCGCCGG[TTGA>T]TAAAGAAAAACTGTCTGTCTGTTGAACTCCTTCCAACTCCATGCGTGCATTGTGAAATGA-3'